The following is an entry in ClinVar:

NM_019032.6(ADAMTSL4):c.2535G>A (p.Trp845Ter)

Gene: ADAMTSL4 (ADAMTS like 4; plus strand). Cytogenetic location: 1q21.2.
Variant type: single nucleotide variant.
Coding change: c.2535G>A on transcript NM_019032.6 (MANE Select); coding-DNA position 2535, G replaced by A.
Protein change: p.Trp845Ter; replaces tryptophan 845 with a stop codon.
Molecular consequence: nonsense.
Genome position (GRCh38, 1-based): chr1:150,558,625, G>A. VCF-style: chr1-150558625-G-A. GRCh37 (hg19) VCF-style: chr1-150531101-G-A.
Other names: c.2418G>A, p.Trp806Ter (NM_001288607.2); c.2604G>A, p.Trp868Ter (NM_001288608.2); c.2535G>A, p.Trp845Ter (NM_001378596.1, NM_025008.5); short protein forms W845*, W868*, W806*.
Identifiers: ClinVar variation 2796197 (VCV002796197.3), dbSNP rs2526771277, ClinGen allele CA342315331.

ClinVar aggregate classification (germline): Pathogenic (1 of 4 stars; one submission).

Allele frequency attached by ClinVar (database versions not stated): gnomAD exomes below 0.00001.
gnomAD v4.1: 1 of 1,613,876 alleles (0.000062%); highest among the groups gnomAD compares: Non-Finnish European, 0.000085%; no homozygotes.

Submission:

Labcorp Genetics (formerly Invitae), Labcorp
Classification: Pathogenic. Last evaluated: 2023-04-20. Review status: criteria provided, single submitter. Criteria: Invitae Variant Classification Sherloc (09022015). Collection method: clinical testing. Allele origin: germline.
Comment: For these reasons, this variant has been classified as Pathogenic. This variant has not been reported in the literature in individuals affected with ADAMTSL4-related conditions. This variant is not present in population databases (gnomAD no frequency). This sequence change creates a premature translational stop signal (p.Trp845*) in the ADAMTSL4 gene. It is expected to result in an absent or disrupted protein product. Loss-of-function variants in ADAMTSL4 are known to be pathogenic (PMID: 20564469, 28642162).

Literature cited by the submitters: PubMed 20564469; PubMed 28642162.